The following is an entry in ClinVar:

NM_201253.3(CRB1):c.4153G>C (p.Glu1385Gln)

Gene: CRB1 (crumbs cell polarity complex component 1; plus strand). Cytogenetic location: 1q31.3.
Variant type: single nucleotide variant.
Coding change: c.4153G>C on transcript NM_201253.3 (MANE Select); coding-DNA position 4153, G replaced by C.
Protein change: p.Glu1385Gln; replaces glutamic acid 1385 with glutamine.
Molecular consequence: missense variant. On other transcripts: non-coding transcript variant (2).
Genome position (GRCh38, 1-based): chr1:197,477,811, G>C. VCF-style: chr1-197477811-G-C. GRCh37 (hg19) VCF-style: chr1-197446941-G-C.
Other names: c.3817G>C, p.Glu1273Gln (NM_001193640.2); c.4081G>C, p.Glu1361Gln (NM_001257965.2); c.2545G>C, p.Glu849Gln (NM_001257966.2); short protein forms E1273Q, E1361Q, E1385Q, E849Q.
Identifiers: ClinVar variation 3749527 (VCV003749527.2).
Genomic context (GRCh38, chr1:197,477,811, plus strand): 5'-GCTTCTGTTGTCACCTCCAACAAAAGGGCAACTCAGGGAACCTACAGCCCCAGCCGTCAG[G>C]AGAAGGAGGGCTCCCGAGTGGAAATGTGGAACTTGATGCCACCCCCTGCAATGGAGAGAC-3'
Protein context (NP_957705.1, residues 1375-1395): TQGTYSPSRQ[Glu1385Gln]KEGSRVEMWN

ClinVar aggregate classification (germline): Uncertain significance (1 of 4 stars; one submission).

Conditions:
Leber congenital amaurosis 8 (LCA8). Identifiers: Orphanet 65, MedGen C3151202, MONDO:0013453, OMIM 613835.
Retinitis pigmentosa 12 (RP12). Also called: RP WITH OR WITHOUT PRESERVED PARAARTERIOLE RETINAL PIGMENT EPITHELIUM; RETINITIS PIGMENTOSA WITH OR WITHOUT PARAARTERIOLAR PRESERVATION OF RETINAL PIGMENT EPITHELIUM; RP WITH OR WITHOUT PPRPE. Identifiers: Orphanet 791, MedGen C1838647, MONDO:0010818, OMIM 600105.

gnomAD v4.1: 2 of 1,613,804 alleles (0.00012%); highest among the groups gnomAD compares: African/African-American, 0.0027%; no homozygotes.

Submission:

Labcorp Genetics (formerly Invitae), Labcorp
Classification: Uncertain significance for Leber congenital amaurosis 8; Retinitis pigmentosa 12. Last evaluated: 2024-09-16. Review status: criteria provided, single submitter. Criteria: Invitae Variant Classification Sherloc (09022015). Collection method: clinical testing. Allele origin: germline.
Comment: This sequence change replaces glutamic acid, which is acidic and polar, with glutamine, which is neutral and polar, at codon 1385 of the CRB1 protein (p.Glu1385Gln). This variant is present in population databases (rs746667930, gnomAD 0.007%). This missense change has been observed in individual(s) with CRB1-related conditions (internal data). Invitae Evidence Modeling of protein sequence and biophysical properties (such as structural, functional, and spatial information, amino acid conservation, physicochemical variation, residue mobility, and thermodynamic stability) indicates that this missense variant is expected to disrupt CRB1 protein function with a positive predictive value of 95%. This variant disrupts the p.Glu1385 amino acid residue in CRB1. Other variant(s) that disrupt this residue have been observed in individuals with CRB1-related conditions (PMID: 30718709), which suggests that this may be a clinically significant amino acid residue. In summary, the available evidence is currently insufficient to determine the role of this variant in disease. Therefore, it has been classified as a Variant of Uncertain Significance.

Literature cited by the submitters: PubMed 30718709.